The following is an entry in ClinVar:

ClinVar aggregate classification (germline): Uncertain significance. Review status: criteria provided, multiple submitters, no conflicts (2 of 4 stars). 2 submissions from 2 submitters: Uncertain significance (2). Last evaluated 2026-05-21.

gnomAD v4.1: 30 of 1,569,140 alleles (0.0019%); highest among the groups gnomAD compares: Non-Finnish European, 0.0023%; no homozygotes.

Submissions (2):

Women's Health and Genetics/Laboratory Corporation of America, LabCorp
Classification: Uncertain significance. Last evaluated: 2026-05-21. Review status: criteria provided, single submitter. Criteria: LabCorp Variant Classification Summary - May 2015. Collection method: clinical testing. Allele origin: germline.
Comment: Variant summary: COL9A3 c.1208G>C (p.Gly403Ala) results in a non-conservative amino acid change in the encoded protein sequence. Algorithms developed to predict the effect of missense changes on protein structure and function all suggest that this variant is likely to be disruptive. The variant allele was found at a frequency of 1.7e-05 in 178418 control chromosomes. The available data on variant occurrences in the general population are insufficient to allow any conclusion about variant significance. To our knowledge, no occurrence of c.1208G>C in individuals affected with COL9A3-related conditions and no experimental evidence demonstrating its impact on protein function have been reported. ClinVar contains an entry for this variant (Variation ID: 1493223). Based on the evidence outlined above, the variant was classified as uncertain significance.

Labcorp Genetics (formerly Invitae), Labcorp
Classification: Uncertain significance. Last evaluated: 2024-01-22. Review status: criteria provided, single submitter. Criteria: Invitae Variant Classification Sherloc (09022015). Collection method: clinical testing. Allele origin: germline.
Comment: This sequence change replaces glycine, which is neutral and non-polar, with alanine, which is neutral and non-polar, at codon 403 of the COL9A3 protein (p.Gly403Ala). This variant is present in population databases (rs377664853, gnomAD 0.004%). This variant has not been reported in the literature in individuals affected with COL9A3-related conditions. ClinVar contains an entry for this variant (Variation ID: 1493223). Advanced modeling of protein sequence and biophysical properties (such as structural, functional, and spatial information, amino acid conservation, physicochemical variation, residue mobility, and thermodynamic stability) performed at Invitae indicates that this missense variant is expected to disrupt COL9A3 protein function with a positive predictive value of 95%. In summary, the available evidence is currently insufficient to determine the role of this variant in disease. Therefore, it has been classified as a Variant of Uncertain Significance.

NM_001853.4(COL9A3):c.1208G>C (p.Gly403Ala)

Gene: COL9A3 (collagen type IX alpha 3 chain; plus strand). Cytogenetic location: 20q13.33.
Variant type: single nucleotide variant.
Coding change: c.1208G>C on transcript NM_001853.4 (MANE Select); coding-DNA position 1208, G replaced by C.
Protein change: p.Gly403Ala; replaces glycine 403 with alanine.
Molecular consequence: missense variant.
Genome position (GRCh38, 1-based): chr20:62,830,406, G>C. VCF-style: chr20-62830406-G-C. GRCh37 (hg19) VCF-style: chr20-61461758-G-C.
Other names: short protein forms G403A.
Identifiers: ClinVar variation 1493223 (VCV001493223.7), dbSNP rs377664853, ClinGen allele CA9949819.